The following is an entry in ClinVar:

NM_000051.4(ATM):c.1130C>G (p.Ser377Cys)

Gene: ATM (ATM serine/threonine kinase; plus strand). Cytogenetic location: 11q22.3.
Variant type: single nucleotide variant.
Coding change: c.1130C>G on transcript NM_000051.4 (MANE Select); coding-DNA position 1130, C replaced by G.
Protein change: p.Ser377Cys; replaces serine 377 with cysteine.
Molecular consequence: missense variant.
Genome position (GRCh38, 1-based): chr11:108,248,997, C>G. VCF-style: chr11-108248997-C-G. GRCh37 (hg19) VCF-style: chr11-108119724-C-G.
Other names: c.1130C>G, p.Ser377Cys (NM_001351834.2); short protein forms S377C.
Identifiers: ClinVar variation 482748 (VCV000482748.16), dbSNP rs1555069665, ClinGen allele CA382532444.

ClinVar aggregate classification (germline): Conflicting classifications of pathogenicity. Review status: criteria provided, conflicting classifications (1 of 4 stars). 3 submissions from 3 submitters: Uncertain significance (2); Likely benign (1). Last evaluated 2024-12-06.

Conditions:
Hereditary cancer-predisposing syndrome. Also called: Hereditary neoplastic syndrome; Neoplastic Syndromes, Hereditary; Tumor predisposition; Hereditary Cancer Syndrome. Identifiers: Orphanet 140162, MedGen C0027672, MeSH D009386, MONDO:0015356.
Ataxia-telangiectasia syndrome (AT). Also called: LOUIS-BAR SYNDROME; Cerebello-oculocutaneous telangiectasia; Immunodeficiency with ataxia telangiectasia; AT, COMPLEMENTATION GROUP C; Ataxia-telangiectasia, complementation group D; ATAXIA-TELANGIECTASIA, COMPLEMENTATION GROUP A. Identifiers: Orphanet 100, MedGen C0004135, MONDO:0008840, OMIM 208900.

Allele frequency attached by ClinVar (database versions not stated): gnomAD exomes below 0.00001.
gnomAD v4.1: 1 of 1,613,080 alleles (0.000062%); highest among the groups gnomAD compares: African/African-American, 0.0013%; no homozygotes.

Submissions (3):

Ambry Genetics
Classification: Likely benign for Hereditary cancer-predisposing syndrome. Last evaluated: 2024-12-06. Review status: criteria provided, single submitter. Criteria: Ambry Variant Classification Scheme 2023. Collection method: clinical testing. Allele origin: germline.

Color Diagnostics, LLC DBA Color Health
Classification: Uncertain significance for Hereditary cancer-predisposing syndrome. Last evaluated: 2023-12-05. Review status: criteria provided, single submitter. Criteria: ACMG Guidelines, 2015. Collection method: clinical testing. Allele origin: germline.
Comment: This missense variant replaces serine with cysteine at codon 377 of the ATM protein. Computational prediction suggests that this variant may not impact protein structure and function (internally defined REVEL score threshold <= 0.5, PMID: 27666373). To our knowledge, functional studies have not been reported for this variant. This variant has not been reported in individuals affected with ATM-related disorders in the literature. This variant has not been identified in the general population by the Genome Aggregation Database (gnomAD). The available evidence is insufficient to determine the role of this variant in disease conclusively. Therefore, this variant is classified as a Variant of Uncertain Significance.

Labcorp Genetics (formerly Invitae), Labcorp
Classification: Uncertain significance for Ataxia-telangiectasia syndrome. Last evaluated: 2017-10-22. Review status: criteria provided, single submitter. Criteria: Invitae Variant Classification Sherloc (09022015). Collection method: clinical testing. Allele origin: germline.
Comment: This variant has not been reported in the literature in individuals with ATM-related disease. Algorithms developed to predict the effect of missense changes on protein structure and function output the following: SIFT: "Tolerated"; PolyPhen-2: "Benign"; Align-GVGD: "Class C0". The cysteine amino acid residue is found in multiple mammalian species, suggesting that this missense change does not adversely affect protein function. These predictions have not been confirmed by published functional studies and their clinical significance is uncertain. In summary, the available evidence is currently insufficient to determine the role of this variant in disease. Therefore, it has been classified as a Variant of Uncertain Significance. This variant is not present in population databases (ExAC no frequency). This sequence change replaces serine with cysteine at codon 377 of the ATM protein (p.Ser377Cys). The serine residue is weakly conserved and there is a moderate physicochemical difference between serine and cysteine.